The following is an entry in ClinVar:

ClinVar aggregate classification (germline): Conflicting classifications of pathogenicity. Review status: criteria provided, conflicting classifications (1 of 4 stars). 2 submissions from 2 submitters: Uncertain significance (1); Likely benign (1). Last evaluated 2023-03-23.

Conditions:
Hereditary breast ovarian cancer syndrome. Also called: Hereditary breast and ovarian cancer syndrome (HBOC); BRCA1- and BRCA2-Associated Hereditary Breast and Ovarian Cancer; Hereditary breast and ovarian cancer syndrome; Breast and ovarian cancer; Hereditary breast and ovarian cancer; Hereditary breast and/or ovarian cancer syndrome. Identifiers: Orphanet 145, MedGen C0677776, MeSH D061325, MONDO:0003582. Disease mechanism: loss of function.
Hereditary cancer-predisposing syndrome. Also called: Hereditary neoplastic syndrome; Neoplastic Syndromes, Hereditary; Tumor predisposition; Hereditary Cancer Syndrome. Identifiers: Orphanet 140162, MedGen C0027672, MeSH D009386, MONDO:0015356.

Submissions (2):

University of Washington Department of Laboratory Medicine, University of Washington
Classification: Likely benign for Hereditary cancer-predisposing syndrome. Last evaluated: 2023-03-23. Review status: criteria provided, single submitter. Criteria: Dines et al. (Genet Med. 2020). Collection method: curation. Allele origin: germline.
Comment: Missense variant in a coldspot region where missense variants are very unlikely to be pathogenic (PMID:31911673).

BRCA2 exon 10 coldspot. Reclassification based on statistical prior probability.

Labcorp Genetics (formerly Invitae), Labcorp
Classification: Uncertain significance for Hereditary breast ovarian cancer syndrome. Last evaluated: 2018-10-17. Review status: criteria provided, single submitter. Criteria: Invitae Variant Classification Sherloc (09022015). Collection method: clinical testing. Allele origin: germline.
Comment: In summary, the available evidence is currently insufficient to determine the role of this variant in disease. Therefore, it has been classified as a Variant of Uncertain Significance. Algorithms developed to predict the effect of missense changes on protein structure and function output the following: SIFT: "Tolerated"; PolyPhen-2: "Benign"; Align-GVGD: "Class C0". The arginine amino acid residue is found in multiple mammalian species, suggesting that this missense change does not adversely affect protein function. These predictions have not been confirmed by published functional studies and their clinical significance is uncertain. This variant has not been reported in the literature in individuals with BRCA2-related disease. ClinVar contains an entry for this variant (Variation ID: 531312). This variant is not present in population databases (ExAC no frequency). This sequence change replaces glutamine with arginine at codon 472 of the BRCA2 protein (p.Gln472Arg). The glutamine residue is moderately conserved and there is a small physicochemical difference between glutamine and arginine.

NM_000059.4(BRCA2):c.1415A>G (p.Gln472Arg)

Gene: BRCA2 (BRCA2 DNA repair associated; plus strand). Cytogenetic location: 13q13.1.
Variant type: single nucleotide variant.
Coding change: c.1415A>G on transcript NM_000059.4 (MANE Select); coding-DNA position 1415, A replaced by G.
Protein change: p.Gln472Arg; replaces glutamine 472 with arginine.
Molecular consequence: missense variant.
Genome position (GRCh38, 1-based): chr13:32,332,893, A>G. VCF-style: chr13-32332893-A-G. GRCh37 (hg19) VCF-style: chr13-32907030-A-G.
Other names: short protein forms Q472R.
Identifiers: ClinVar variation 531312 (VCV000531312.11), dbSNP rs1555281903, ClinGen allele CA387764207.